The following is an entry in ClinVar:

NM_001035.3(RYR2):c.2263A>G (p.Ile755Val)

Gene: RYR2 (ryanodine receptor 2; plus strand). Cytogenetic location: 1q43.
Variant type: single nucleotide variant.
Coding change: c.2263A>G on transcript NM_001035.3 (MANE Select); coding-DNA position 2263, A replaced by G.
Protein change: p.Ile755Val; replaces isoleucine 755 with valine.
Molecular consequence: missense variant.
Genome position (GRCh38, 1-based): chr1:237,500,770, A>G. VCF-style: chr1-237500770-A-G. GRCh37 (hg19) VCF-style: chr1-237664070-A-G.
Other names: c.2263A>G, p.Ile755Val (LRG_402t1); short protein forms I755V.
Identifiers: ClinVar variation 463586 (VCV000463586.8), dbSNP rs1553474585, ClinGen allele CA345393120.

ClinVar aggregate classification (germline): Uncertain significance. Review status: criteria provided, multiple submitters, no conflicts (2 of 4 stars). 2 submissions from 2 submitters: Uncertain significance (2). Last evaluated 2023-12-01.

Conditions:
Catecholaminergic polymorphic ventricular tachycardia (CVPT). Also called: Catecholamine-induced polymorphic ventricular tachycardia. Identifiers: Orphanet 3286, MedGen C5574922, MONDO:0017990.
Catecholaminergic polymorphic ventricular tachycardia 1. Also called: VENTRICULAR TACHYCARDIA, STRESS-INDUCED POLYMORPHIC 1; VENTRICULAR TACHYCARDIA, CATECHOLAMINERGIC POLYMORPHIC, 1, WITH OR WITHOUT ATRIAL DYSFUNCTION AND/OR DILATED CARDIOMYOPATHY; RYR2-Related Catecholaminergic Polymorphic Ventricular Tachycardia. Identifiers: Orphanet 3286, MedGen C1631597, MONDO:0011484, OMIM 604772.

gnomAD v4.1: 4 of 1,613,982 alleles (0.00025%); highest among the groups gnomAD compares: Non-Finnish European, 0.00025%; no homozygotes.

Submissions (2):

All of Us Research Program, National Institutes of Health
Classification: Uncertain significance for Catecholaminergic polymorphic ventricular tachycardia. Last evaluated: 2023-12-01. Review status: criteria provided, single submitter. Criteria: ACMG Guidelines, 2015. Collection method: clinical testing. Allele origin: germline. Inheritance: Autosomal dominant inheritance. Observed: 2 variant alleles, 2 heterozygotes.
Comment: This missense variant replaces isoleucine with valine at codon 755 of the RYR2 protein. Computational prediction suggests that this variant may not impact protein structure and function (internally defined REVEL score threshold <= 0.5, PMID: 27666373). To our knowledge, functional studies have not been reported for this variant. This variant has not been reported in individuals affected with RYR2-related disorders in the literature. This variant has not been identified in the general population by the Genome Aggregation Database (gnomAD). The available evidence is insufficient to determine the role of this variant in disease conclusively. Therefore, this variant is classified as a Variant of Uncertain Significance.

This study involves interpretation of variants in research participants for the purpose of population health screening. Participant phenotype was not available at the time of variant classification. Additional details can be found in publication PMID: 35346344, PMCID: PMC8962531

Labcorp Genetics (formerly Invitae), Labcorp
Classification: Uncertain significance for Catecholaminergic polymorphic ventricular tachycardia 1. Last evaluated: 2021-08-13. Review status: criteria provided, single submitter. Criteria: Invitae Variant Classification Sherloc (09022015). Collection method: clinical testing. Allele origin: germline.
Comment: This sequence change replaces isoleucine with valine at codon 755 of the RYR2 protein (p.Ile755Val). The isoleucine residue is highly conserved and there is a small physicochemical difference between isoleucine and valine. This variant is not present in population databases (ExAC no frequency). This variant has not been reported in the literature in individuals affected with RYR2-related conditions. Algorithms developed to predict the effect of missense changes on protein structure and function output the following: SIFT: "Deleterious"; PolyPhen-2: "Benign"; Align-GVGD: "Class C25". The valine amino acid residue is found in multiple mammalian species, which suggests that this missense change does not adversely affect protein function. Algorithms developed to predict the effect of sequence changes on RNA splicing suggest that this variant may create or strengthen a splice site. In summary, the available evidence is currently insufficient to determine the role of this variant in disease. Therefore, it has been classified as a Variant of Uncertain Significance.